The following is an entry in ClinVar:

ClinVar aggregate classification (germline): Pathogenic/Likely pathogenic. Review status: criteria provided, multiple submitters, no conflicts (2 of 4 stars). 3 submissions from 3 submitters: Pathogenic (2); Likely pathogenic (1). Last evaluated 2023-12-01.

Conditions:
Hereditary cancer-predisposing syndrome. Also called: Neoplastic Syndromes, Hereditary; Hereditary neoplastic syndrome; Tumor predisposition; Hereditary Cancer Syndrome. Identifiers: Orphanet 140162, MedGen C0027672, MeSH D009386, MONDO:0015356.
Familial cancer of breast. Also called: hereditary breast carcinoma; Hereditary breast cancer; BREAST CANCER, FAMILIAL. Identifiers: Orphanet 227535, MedGen C0346153, MONDO:0016419, OMIM 114480. Disease mechanism: loss of function.

Submissions (3):

Labcorp Genetics (formerly Invitae), Labcorp
Classification: Pathogenic for Familial cancer of breast. Last evaluated: 2023-12-01. Review status: criteria provided, single submitter. Criteria: Invitae Variant Classification Sherloc (09022015). Collection method: clinical testing. Allele origin: germline.
Comment: This sequence change creates a premature translational stop signal (p.Tyr1055*) in the PALB2 gene. It is expected to result in an absent or disrupted protein product. Loss-of-function variants in PALB2 are known to be pathogenic (PMID: 17200668, 17200671, 17200672, 24136930, 25099575). This variant is not present in population databases (gnomAD no frequency). This premature translational stop signal has been observed in individual(s) with PALB2-related conditions (PMID: 27616075). ClinVar contains an entry for this variant (Variation ID: 617778). Algorithms developed to predict the effect of sequence changes on RNA splicing suggest that this variant may disrupt the consensus splice site. For these reasons, this variant has been classified as Pathogenic.

Myriad Genetics, Inc.
Classification: Pathogenic for Familial cancer of breast. Last evaluated: 2023-09-14. Review status: criteria provided, single submitter. Criteria: Myriad Autosomal Dominant, Autosomal Recessive and X-Linked Classification Criteria (2023). Collection method: clinical testing. Allele origin: unknown.
Comment: This variant is considered pathogenic. This variant creates a termination codon and is predicted to result in premature protein truncation.

Department of Molecular Diagnostics, Institute of Oncology Ljubljana
Classification: Likely pathogenic for Hereditary cancer-predisposing syndrome. Last evaluated: 2018-10-24. Review status: criteria provided, single submitter. Criteria: ACMG Guidelines, 2015. Collection method: clinical testing. Allele origin: germline. Affected: yes.

Literature cited by the submitters: PubMed 17200668 (cited by Labcorp Genetics (formerly Invitae), Labcorp); PubMed 17200671 (cited by Labcorp Genetics (formerly Invitae), Labcorp); PubMed 17200672 (cited by Labcorp Genetics (formerly Invitae), Labcorp); PubMed 24136930 (cited by Labcorp Genetics (formerly Invitae), Labcorp); PubMed 25099575 (cited by Labcorp Genetics (formerly Invitae), Labcorp); PubMed 27616075 (cited by Labcorp Genetics (formerly Invitae), Labcorp).

NM_024675.4(PALB2):c.3164dup (p.Tyr1055Ter)

Gene: PALB2 (partner and localizer of BRCA2; minus strand). Cytogenetic location: 16p12.2.
Variant type: Duplication.
Coding change: c.3164dup on transcript NM_024675.4 (MANE Select); coding-DNA position 3164, one base duplicated (A; older notation c.3164dupA).
Protein change: p.Tyr1055Ter; replaces tyrosine 1055 with a stop codon.
Molecular consequence: nonsense.
Genome position (GRCh38, 1-based): chr16:23,614,041, T duplicated on the plus strand (A on the coding strand, the reverse complement: PALB2 is on the minus strand). VCF-style (leftmost placement, unchanged base first): chr16-23614040-G-GT. GRCh37 (hg19) VCF-style: chr16-23625361-G-GT.
Other names: c.3164dupA (NM_024675.3); short protein forms Y1055*.
Identifiers: ClinVar variation 617778 (VCV000617778.5), dbSNP rs1567209835, ClinGen allele CA913190437.
Genomic context (GRCh38, chr16:23,614,040, plus strand): 5'-TGGTCCCAGCCAGTCATTACTTACCATTTCAGAATAGGCTTTGTGACAGACTGAAGCTTG[G>GT]TAAGAATCATCAATGTGCATCTTTTTCAGGAGTTGACCAGTTTTTAAATTCCTTAGATAA-3'